The following is an entry in ClinVar:

NM_001081.4(CUBN):c.939C>T (p.Asn313=)

Gene: CUBN (cubilin; minus strand). Cytogenetic location: 10p13.
Variant type: single nucleotide variant.
Coding change: c.939C>T on transcript NM_001081.4 (MANE Select); coding-DNA position 939, C replaced by T.
Protein change: p.Asn313=; no amino-acid change (asparagine 313 retained).
Molecular consequence: synonymous variant.
Genome position (GRCh38, 1-based): chr10:17,110,995, G>A on the plus strand (C>T on the coding strand, the complement: CUBN is on the minus strand). VCF-style: chr10-17110995-G-A. GRCh37 (hg19) VCF-style: chr10-17152994-G-A.
Other names: p.Asn313=.
Identifiers: ClinVar variation 299533 (VCV000299533.20), dbSNP rs1801223, ClinGen allele CA5425464.

ClinVar aggregate classification (germline): Benign. Review status: criteria provided, multiple submitters, no conflicts (2 of 4 stars). 7 submissions from 7 submitters: Benign (7). Last evaluated 2026-02-03.

Conditions:
Imerslund-Grasbeck syndrome. Also called: ENTEROCYTE COBALAMIN MALABSORPTION; ENTEROCYTE INTRINSIC FACTOR RECEPTOR, DEFECT OF; Imerslund-Gräsbeck syndrome; PERNICIOUS ANEMIA, JUVENILE, DUE TO SELECTIVE INTESTINAL MALABSORPTION OF VITAMIN B12, WITH PROTEINURIA; Megaloblastic anemia due to inborn errors of metabolism. Identifiers: Orphanet 35858, MedGen C4551825, MONDO:0009853.
Imerslund-Grasbeck syndrome type 1 (IGS1). Also called: Megaloblastic anemia 1, Finnish type; MEGALOBLASTIC ANEMIA, 1; Imerslund-Gräsbeck syndrome 1. Identifiers: MedGen C4016819, MONDO:0100156, OMIM 261100.

Allele frequency attached by ClinVar (database versions not stated): gnomAD exomes 0.19343 and 0.21197; ESP Exome Variant Server 0.19706; TOPMed 0.20892; ExAC 0.21005; 1000 Genomes Project 30x 0.21034; gnomAD 0.21150 and 0.21191; 1000 Genomes Project 0.21486.
gnomAD v4.1: 315,475 of 1,613,428 alleles (20%); highest among the groups gnomAD compares: Middle Eastern, 29%; 32,341 homozygotes.

Submissions (7):

Labcorp Genetics (formerly Invitae), Labcorp
Classification: Benign for Imerslund-Grasbeck syndrome. Last evaluated: 2026-02-03. Review status: criteria provided, single submitter. Criteria: Invitae Variant Classification Sherloc (09022015). Collection method: clinical testing. Allele origin: germline.

Blueprint Genetics
Classification: Benign. Last evaluated: 2024-11-27. Review status: criteria provided, single submitter. Criteria: ACMG Guidelines, 2015. Collection method: clinical testing. Allele origin: germline.

Mayo Clinic Laboratories, Mayo Clinic
Classification: Benign. Last evaluated: 2022-03-31. Review status: criteria provided, single submitter. Criteria: ACMG Guidelines, 2015. Collection method: clinical testing. Allele origin: germline. Observed: 82 variant alleles.

Genome-Nilou Lab
Classification: Benign for Imerslund-Grasbeck syndrome type 1. Last evaluated: 2021-07-30. Review status: criteria provided, single submitter. Criteria: ACMG Guidelines, 2015. Collection method: clinical testing. Allele origin: germline. Affected: no.

GeneDx
Classification: Benign. Last evaluated: 2018-06-13. Review status: criteria provided, single submitter. Criteria: GeneDx Variant Classification (06012015). Collection method: clinical testing. Allele origin: germline. Affected: yes.
Comment: This variant is considered likely benign or benign based on one or more of the following criteria: it is a conservative change, it occurs at a poorly conserved position in the protein, it is predicted to be benign by multiple in silico algorithms, and/or has population frequency not consistent with disease.

Illumina Laboratory Services, Illumina
Classification: Benign for Imerslund-Grasbeck syndrome type 1. Last evaluated: 2018-01-12. Review status: criteria provided, single submitter. Criteria: ICSL Variant Classification Criteria 13 December 2019. Collection method: clinical testing. Allele origin: germline.
Comment: This variant was observed in the ICSL laboratory as part of a predisposition screen in an ostensibly healthy population. It had not been previously curated by ICSL or reported in the Human Gene Mutation Database (HGMD: prior to June 1st, 2018), and was therefore a candidate for classification through an automated scoring system. Utilizing variant allele frequency, disease prevalence and penetrance estimates, and inheritance mode, an automated score was calculated to assess if this variant is too frequent to cause the disease. Based on the score and internal cut-off values, a variant classified as benign is not then subjected to further curation. The score for this variant resulted in a classification of benign for this disease.

Breakthrough Genomics
Classification: Benign. Review status: criteria provided, single submitter. Criteria: ACMG Guidelines, 2015. Collection method: not provided. Allele origin: germline. Inheritance: Autosomal recessive inheritance. Affected: yes.